The following is an entry in ClinVar:

NM_001129.5(AEBP1):c.1306G>A (p.Glu436Lys)

Gene: AEBP1 (AE binding protein 1; plus strand). Cytogenetic location: 7p13.
Variant type: single nucleotide variant.
Coding change: c.1306G>A on transcript NM_001129.5 (MANE Select); coding-DNA position 1306, G replaced by A.
Protein change: p.Glu436Lys; replaces glutamic acid 436 with lysine.
Molecular consequence: missense variant.
Genome position (GRCh38, 1-based): chr7:44,110,252, G>A. VCF-style: chr7-44110252-G-A. GRCh37 (hg19) VCF-style: chr7-44149851-G-A.
Other names: p.Glu436Lys; c.1306G>A (NM_001129.4); short protein forms E436K.
Identifiers: ClinVar variation 2203095 (VCV002203095.3), dbSNP rs376165441, ClinGen allele CA4237850.
Genomic context (GRCh38, chr7:44,110,252, plus strand): 5'-CTGCCCCCTGGACAGACCGGTGCCACTGAGGACGACTACTATGATGGTGCGTGGTGTGCC[G>A]AGGACGATGCCAGGACCCAGTGGATAGAGGTGGACACCAGGAGGACTACCCGGTTCACAG-3'
Protein context (NP_001120.3, residues 426-446): DDYYDGAWCA[Glu436Lys]DDARTQWIEV

ClinVar aggregate classification (germline): Uncertain significance. Review status: criteria provided, multiple submitters, no conflicts (2 of 4 stars). 3 submissions from 3 submitters: Uncertain significance (3). Last evaluated 2025-10-19.

Allele frequency attached by ClinVar (database versions not stated): TOPMed 0.00014; gnomAD 0.00015; ESP Exome Variant Server 0.00008.

Submissions (3):

Mayo Clinic Laboratories, Mayo Clinic
Classification: Uncertain significance. Last evaluated: 2025-10-19. Review status: criteria provided, single submitter. Criteria: ACMG Guidelines, 2015. Collection method: clinical testing. Allele origin: germline. Observed: 1 variant allele.

GeneDx
Classification: Uncertain significance. Last evaluated: 2024-06-20. Review status: criteria provided, single submitter. Criteria: GeneDx Variant Classification Process June 2021. Collection method: clinical testing. Allele origin: germline. Affected: yes.
Comment: Has not been previously published as pathogenic or benign to our knowledge; In silico analysis indicates that this missense variant does not alter protein structure/function

Labcorp Genetics (formerly Invitae), Labcorp
Classification: Uncertain significance. Last evaluated: 2022-06-14. Review status: criteria provided, single submitter. Criteria: Invitae Variant Classification Sherloc (09022015). Collection method: clinical testing. Allele origin: germline.
Comment: This sequence change replaces glutamic acid, which is acidic and polar, with lysine, which is basic and polar, at codon 436 of the AEBP1 protein (p.Glu436Lys). This variant is present in population databases (rs376165441, gnomAD 0.04%). This variant has not been reported in the literature in individuals affected with AEBP1-related conditions. Algorithms developed to predict the effect of missense changes on protein structure and function are either unavailable or do not agree on the potential impact of this missense change (SIFT: "Deleterious"; PolyPhen-2: "Possibly Damaging"; Align-GVGD: "Class C0"). In summary, the available evidence is currently insufficient to determine the role of this variant in disease. Therefore, it has been classified as a Variant of Uncertain Significance.